The following is an entry in ClinVar:

ClinVar aggregate classification (germline): Uncertain significance (1 of 4 stars; one submission).

Conditions:
Hereditary sensory and autonomic neuropathy type 6. Also called: HSAN VI; Neuropathy, hereditary sensory and autonomic, type VI. Identifiers: Orphanet 314381, MedGen C3539003, MONDO:0013839, OMIM 614653.
Epidermolysis bullosa simplex 3, localized or generalized intermediate, with BP230 deficiency (EBS3). Also called: Epidermolysis bullosa simplex, autosomal recessive 2; Epidermolysis bullosa simplex due to BP230 deficiency. Identifiers: Orphanet 412181, MedGen C3809470, MONDO:0014180, OMIM 615425.

Submission:

Labcorp Genetics (formerly Invitae), Labcorp
Classification: Uncertain significance for Epidermolysis bullosa simplex 3, localized or generalized intermediate, with BP230 deficiency; Hereditary sensory and autonomic neuropathy type 6. Last evaluated: 2022-02-18. Review status: criteria provided, single submitter. Criteria: Invitae Variant Classification Sherloc (09022015). Collection method: clinical testing. Allele origin: germline.
Comment: In summary, the available evidence is currently insufficient to determine the role of this variant in disease. Therefore, it has been classified as a Variant of Uncertain Significance. Experimental studies and prediction algorithms are not available or were not evaluated, and the functional significance of this variant is currently unknown. This variant has not been reported in the literature in individuals affected with DST-related conditions. This variant is present in population databases (rs749412641, gnomAD 0.003%). This variant, c.797_799del, results in the deletion of 1 amino acid(s) of the DST protein (p.Ser266del), but otherwise preserves the integrity of the reading frame.

NM_001374736.1(DST):c.2405CTT[1] (p.Ser803del)

Gene: DST (dystonin; minus strand). Cytogenetic location: 6p12.1.
Variant type: Microsatellite.
Coding change: c.2405CTT[1] on transcript NM_001374736.1 (MANE Select); one copy of the 3-base unit CTT starting at c.2405; the reference has two copies in a row; one copy, 3 bases deleted.
Protein change: p.Ser803del; deletes serine 803.
Molecular consequence: inframe deletion.
Genome position (GRCh38, 1-based): chr6:56,640,223-56,640,225, AAG deleted on the plus strand (CTT on the coding strand, the reverse complement: DST is on the minus strand); deleting any 3 consecutive bases within chr6:56,640,223-56,640,229 gives the same sequence; the position shown is the placement nearest the transcript's 3' end. VCF-style (leftmost placement, unchanged base first): chr6-56640222-AAAG-A. GRCh37 (hg19) VCF-style: chr6-56505020-AAAG-A.
Other names: c.2306CTT[1], p.Ser770del (NM_001144769.5); c.1892CTT[1], p.Ser632del (NM_001144770.2); c.2405CTT[1], p.Ser803del (NM_001374722.1); c.1772CTT[1], p.Ser592del (NM_001374729.1, NM_001374730.1, NM_001386100.1 and 1 more transcripts); c.2432CTT[1], p.Ser812del (NM_001374734.1); c.794CTT[1], p.Ser266del (NM_001723.7, NM_015548.5); short protein forms S803del, S812del, S266del, S770del, S592del, S632del.
Identifiers: ClinVar variation 1414977 (VCV001414977.8), dbSNP rs749412641, ClinGen allele CA3871430.